The following is an entry in ClinVar:

ClinVar aggregate classification (germline): Conflicting classifications of pathogenicity. Review status: criteria provided, conflicting classifications (1 of 4 stars). 2 submissions from 2 submitters: Uncertain significance (1); Likely benign (1). Last evaluated 2023-12-23.

Conditions:
Pitt-Hopkins-like syndrome 2 (PTHSL2). Identifiers: Orphanet 221150, Orphanet 600663, MedGen C3280479, MONDO:0013690, OMIM 614325.

Allele frequency attached by ClinVar (database versions not stated): gnomAD exomes below 0.00001 and 0.00001; gnomAD 0.00001; TOPMed 0.00001.
gnomAD v4.1: 5 of 1,562,630 alleles (0.00032%); highest among the groups gnomAD compares: East Asian, 0.0094%; no homozygotes.

Submissions (2):

Labcorp Genetics (formerly Invitae), Labcorp
Classification: Likely benign for Pitt-Hopkins-like syndrome 2. Last evaluated: 2023-12-23. Review status: criteria provided, single submitter. Criteria: Invitae Variant Classification Sherloc (09022015). Collection method: clinical testing. Allele origin: germline.

GeneDx
Classification: Uncertain significance. Last evaluated: 2019-10-15. Review status: criteria provided, single submitter. Criteria: GeneDx Variant Classification Process June 2021. Collection method: clinical testing. Allele origin: germline. Affected: yes.
Comment: Not observed at a significant frequency in large population cohorts (Lek et al., 2016); In-silico analysis, which includes splice predictors and evolutionary conservation, is inconclusive as to whether the variant alters gene splicing. In the absence of RNA/functional studies, the actual effect of this sequence change is unknown.; Has not been previously published as pathogenic or benign to our knowledge

NM_001330078.2(NRXN1):c.1135-8C>T

Gene: NRXN1 (neurexin 1; minus strand). Cytogenetic location: 2p16.3.
Variant type: single nucleotide variant.
Coding change: c.1135-8C>T on transcript NM_001330078.2 (MANE Select); 8 bases into the intron before coding-DNA position 1135, C replaced by T.
Molecular consequence: intron variant.
Genome position (GRCh38, 1-based): chr2:50,621,257, G>A on the plus strand (C>T on the coding strand, the complement: NRXN1 is on the minus strand). VCF-style: chr2-50621257-G-A. GRCh37 (hg19) VCF-style: chr2-50848395-G-A.
Other names: c.1075-1074C>T (NM_001330096.2, NM_001330087.2); c.1075-8C>T (NM_001330083.2, NM_001330084.2); c.1105-1074C>T (NM_001330088.2); c.1132-8C>T (NM_001330093.2); c.1123-8C>T (NM_001330094.2); c.1135-1074C>T (NM_001330095.2, NM_001330082.2, NM_001330077.2); c.1135-8C>T (NM_001330085.2, NM_004801.6, NM_001330086.2); c.1234-8C>T (NM_001135659.3).
Identifiers: ClinVar variation 472637 (VCV000472637.10), dbSNP rs1430859209, ClinGen allele CA532636391.